The following is an entry in ClinVar:

NM_018062.4(FANCL):c.1033CTA[1] (p.Leu346del)

Gene: FANCL (FA complementation group L; minus strand). Cytogenetic location: 2p16.1.
Variant type: Microsatellite.
Coding change: c.1033CTA[1] on transcript NM_018062.4 (MANE Select); one copy of the 3-base unit CTA starting at c.1033; the reference has two copies in a row; one copy, 3 bases deleted.
Protein change: p.Leu346del; deletes leucine 346.
Molecular consequence: inframe deletion. On other transcripts: inframe indel (1).
Genome position (GRCh38, 1-based): chr2:58,160,162-58,160,164, TAG deleted on the plus strand (CTA on the coding strand, the reverse complement: FANCL is on the minus strand); deleting any 3 consecutive bases within chr2:58,160,162-58,160,168 gives the same sequence; the position shown is the placement nearest the transcript's 3' end. VCF-style (leftmost placement, unchanged base first): chr2-58160161-TTAG-T. GRCh37 (hg19) VCF-style: chr2-58387296-TTAG-T.
Other names: c.1047_1049ACT[1], p.Leu351del (NM_001114636.2); c.1078CTA[1], p.Leu361del (NM_001374615.1); c.1093CTA[1], p.Leu366del (NM_001410792.1); short protein forms L351del, L366del, L346del, L361del.
Identifiers: ClinVar variation 2039117 (VCV002039117.4), dbSNP rs763041336, ClinGen allele CA1670325.
Genomic context (GRCh38, chr2:58,160,161, plus strand): 5'-TGCTTACCTTACTACAATATGGACATTCACCAAATATGATGTTAAAACTCTGTCTACTAG[TTAG>T]TAGTCCTCTCAGCCACTGCAAATTTTAAAAGATAAAGGAGAAGCGTCAGCATGATTACAA-3'

ClinVar aggregate classification (germline): Uncertain significance (1 of 4 stars; one submission).

Conditions:
Fanconi anemia (FA). Also called: Fanconi's anemia. Identifiers: Orphanet 84, MedGen C0015625, MeSH D005199, MONDO:0019391.

Submission:

Labcorp Genetics (formerly Invitae), Labcorp
Classification: Uncertain significance for Fanconi anemia. Last evaluated: 2022-02-21. Review status: criteria provided, single submitter. Criteria: Invitae Variant Classification Sherloc (09022015). Collection method: clinical testing. Allele origin: germline.
Comment: This variant, c.1036_1038del, results in the deletion of 1 amino acid(s) of the FANCL protein (p.Leu346del), but otherwise preserves the integrity of the reading frame. This variant is present in population databases (rs763041336, gnomAD 0.003%). This variant has not been reported in the literature in individuals affected with FANCL-related conditions. Experimental studies and prediction algorithms are not available or were not evaluated, and the functional significance of this variant is currently unknown. In summary, the available evidence is currently insufficient to determine the role of this variant in disease. Therefore, it has been classified as a Variant of Uncertain Significance.